The following is an entry in ClinVar:

NM_015973.5(GAL):c.361G>A (p.Glu121Lys)

Gene: GAL (galanin and GMAP prepropeptide; plus strand). Cytogenetic location: 11q13.2.
Variant type: single nucleotide variant.
Coding change: c.361G>A on transcript NM_015973.5 (MANE Select); coding-DNA position 361, G replaced by A.
Protein change: p.Glu121Lys; replaces glutamic acid 121 with lysine.
Molecular consequence: missense variant.
Genome position (GRCh38, 1-based): chr11:68,690,976, G>A. VCF-style: chr11-68690976-G-A. GRCh37 (hg19) VCF-style: chr11-68458444-G-A.
Other names: c.361G>A (NM_015973.4); short protein forms E121K.
Identifiers: ClinVar variation 475913 (VCV000475913.14), dbSNP rs139127322, ClinGen allele CA6151562.
Genomic context (GRCh38, chr11:68,690,976, plus strand): 5'-GAGGCCGGTGCCCTCGACCGCCTCCTGGATCTCCCCGCCGCAGCCTCCTCAGAAGACATC[G>A]AGCGGTCCTGAGAGCCTCCTGGGCATGTTTGTCTGTGTGCTGTAACCTGAAGTCAAACCT-3'
Protein context (NP_057057.2, residues 111-123): LPAAASSEDI[Glu121Lys]RS

ClinVar aggregate classification (germline): Benign. Review status: criteria provided, single submitter (1 of 4 stars). 2 submissions from 2 submitters: Benign (1). 1 of the submissions does not count toward it. Last evaluated 2024-12-16.

Conditions:
Familial temporal lobe epilepsy 8. Identifiers: Orphanet 101046, MedGen C4225318, MONDO:0014650, OMIM 616461.
GAL-related disorder. Also called: GAL-related condition.

Allele frequency attached by ClinVar (database versions not stated): gnomAD 0.00377 and 0.00355; TOPMed 0.00410; 1000 Genomes Project 0.00260; 1000 Genomes Project 30x 0.00328; ESP Exome Variant Server 0.00346.
gnomAD v4.1: 1,092 of 1,610,068 alleles (0.068%); highest among the groups gnomAD compares: African/African-American, 1.3%; 5 homozygotes.

Submissions (2):

Labcorp Genetics (formerly Invitae), Labcorp
Classification: Benign for Familial temporal lobe epilepsy 8. Last evaluated: 2024-12-16. Review status: criteria provided, single submitter. Criteria: Invitae Variant Classification Sherloc (09022015). Collection method: clinical testing. Allele origin: germline.

PreventionGenetics, part of Exact Sciences
Classification: Benign for GAL-related condition. Last evaluated: 2020-01-02. Review status: no assertion criteria provided. Collection method: clinical testing. Allele origin: germline. Not counted in ClinVar's aggregate classification.
Comment: This variant is classified as benign based on ACMG/AMP sequence variant interpretation guidelines (Richards et al. 2015 PMID: 25741868, with internal and published modifications).